The following is an entry in ClinVar:

ClinVar aggregate classification (germline): Uncertain significance. Review status: criteria provided, multiple submitters, no conflicts (2 of 4 stars). 2 submissions from 2 submitters: Uncertain significance (2). Last evaluated 2025-12-16.

Conditions:
Inborn genetic diseases. Identifiers: MedGen C0950123, MeSH D030342.
Myasthenic syndrome, congenital, 22 (CMS22). Also called: PREPL DEFICIENCY. Identifiers: MedGen C4479088, MONDO:0044299, OMIM 616224.

Allele frequency attached by ClinVar (database versions not stated): ExAC 0.00002; gnomAD 0.00005 and 0.00006; TOPMed 0.00009.
gnomAD v4.1: 20 of 1,613,540 alleles (0.0012%); highest among the groups gnomAD compares: African/African-American, 0.016%; no homozygotes.

Submissions (2):

Ambry Genetics
Classification: Uncertain significance for Inborn genetic diseases. Last evaluated: 2025-12-16. Review status: criteria provided, single submitter. Criteria: Ambry Variant Classification Scheme 2023. Collection method: clinical testing. Allele origin: germline.

Labcorp Genetics (formerly Invitae), Labcorp
Classification: Uncertain significance for Myasthenic syndrome, congenital, 22. Last evaluated: 2022-08-15. Review status: criteria provided, single submitter. Criteria: Invitae Variant Classification Sherloc (09022015). Collection method: clinical testing. Allele origin: germline.
Comment: This sequence change replaces tyrosine, which is neutral and polar, with cysteine, which is neutral and slightly polar, at codon 479 of the PREPL protein (p.Tyr479Cys). This variant is present in population databases (rs757204599, gnomAD 0.02%). This variant has not been reported in the literature in individuals affected with PREPL-related conditions. ClinVar contains an entry for this variant (Variation ID: 640964). Algorithms developed to predict the effect of missense changes on protein structure and function (SIFT, PolyPhen-2, Align-GVGD) all suggest that this variant is likely to be disruptive. In summary, the available evidence is currently insufficient to determine the role of this variant in disease. Therefore, it has been classified as a Variant of Uncertain Significance.

NM_001171613.2(PREPL):c.1169A>G (p.Tyr390Cys)

Gene: PREPL (prolyl endopeptidase like; minus strand). Cytogenetic location: 2p21.
Variant type: single nucleotide variant.
Coding change: c.1169A>G on transcript NM_001171613.2 (MANE Select); coding-DNA position 1169, A replaced by G.
Protein change: p.Tyr390Cys; replaces tyrosine 390 with cysteine.
Molecular consequence: missense variant.
Genome position (GRCh38, 1-based): chr2:44,329,030, T>C on the plus strand (A>G on the coding strand, the complement: PREPL is on the minus strand). VCF-style: chr2-44329030-T-C. GRCh37 (hg19) VCF-style: chr2-44556169-T-C.
Other names: c.1436A>G, p.Tyr479Cys (NM_006036.4, NM_001171603.1, NM_001171606.2 and 2 more transcripts); c.1250A>G, p.Tyr417Cys (NM_001042385.2); c.1238A>G, p.Tyr413Cys (NM_001042386.2); c.1169A>G, p.Tyr390Cys (NM_001171617.1, NM_001374277.1); short protein forms Y413C, Y479C, Y417C, Y390C.
Identifiers: ClinVar variation 640964 (VCV000640964.6), dbSNP rs757204599, ClinGen allele CA1641209.
Genomic context (GRCh38, chr2:44,329,030, plus strand): 5'-TCCACCAGGACCCGCCTCTCAGGCCTGAAATTCATTTTCAAATCCATTCCATAAGCTCCA[T>C]ATACATGTACCAAGAGAGGTTTCTTCTGCAAGTCCTCAGAGTCAGTTTTGTGGAAAACAG-3'
Protein context (NP_001165084.1, residues 380-400): LQKKPLLVHV[Tyr390Cys]GAYGMDLKMN